The following is an entry in ClinVar:

ClinVar aggregate classification (germline): Uncertain significance (1 of 4 stars; one submission).

Conditions:
Charcot-Marie-Tooth disease axonal type 2O. Also called: CHARCOT-MARIE-TOOTH NEUROPATHY, AXONAL, TYPE 2O; CHARCOT-MARIE-TOOTH DISEASE, AXONAL, AUTOSOMAL DOMINANT, TYPE 2O; Charcot-Marie-Tooth disease, axonal, type 20; Charcot-Marie-Tooth Neuropathy Type 2O. Identifiers: Orphanet 284232, MedGen C3280220, MONDO:0013644, OMIM 614228.

Submission:

Labcorp Genetics (formerly Invitae), Labcorp
Classification: Uncertain significance for Charcot-Marie-Tooth disease axonal type 2O. Last evaluated: 2022-05-12. Review status: criteria provided, single submitter. Criteria: Invitae Variant Classification Sherloc (09022015). Collection method: clinical testing. Allele origin: germline.
Comment: This sequence change replaces glutamic acid, which is acidic and polar, with lysine, which is basic and polar, at codon 2704 of the DYNC1H1 protein (p.Glu2704Lys). This variant is not present in population databases (gnomAD no frequency). In summary, the available evidence is currently insufficient to determine the role of this variant in disease. Therefore, it has been classified as a Variant of Uncertain Significance. Algorithms developed to predict the effect of missense changes on protein structure and function are either unavailable or do not agree on the potential impact of this missense change (SIFT: "Deleterious"; PolyPhen-2: "Probably Damaging"; Align-GVGD: "Class C0"). This variant has not been reported in the literature in individuals affected with DYNC1H1-related conditions.

NM_001376.5(DYNC1H1):c.8110G>A (p.Glu2704Lys)

Gene: DYNC1H1 (dynein cytoplasmic 1 heavy chain 1; plus strand). Cytogenetic location: 14q32.31.
Variant type: single nucleotide variant.
Coding change: c.8110G>A on transcript NM_001376.5 (MANE Select); coding-DNA position 8110, G replaced by A.
Protein change: p.Glu2704Lys; replaces glutamic acid 2704 with lysine.
Molecular consequence: missense variant.
Genome position (GRCh38, 1-based): chr14:102,017,437, G>A. VCF-style: chr14-102017437-G-A. GRCh37 (hg19) VCF-style: chr14-102483774-G-A.
Other names: short protein forms E2704K.
Identifiers: ClinVar variation 1993269 (VCV001993269.4), dbSNP rs2503773884, ClinGen allele CA391004412.